The following is an entry in ClinVar:

ClinVar aggregate classification (germline): Uncertain significance. Review status: criteria provided, multiple submitters, no conflicts (2 of 4 stars). 3 submissions from 3 submitters: Uncertain significance (3). Last evaluated 2026-02-18.

Conditions:
Cardiovascular phenotype. Identifiers: MedGen CN230736.
Hypercholesterolemia, autosomal dominant, type B (FHCL2). Also called: APOLIPOPROTEIN B-100, FAMILIAL DEFECTIVE; APOLIPOPROTEIN B-100, FAMILIAL LIGAND-DEFECTIVE; HYPERCHOLESTEROLEMIA, FAMILIAL, DUE TO LIGAND-DEFECTIVE APOLIPOPROTEIN B; Familial hypercholesterolemia 2; APOB-Related Familial Hypercholesterolemia, Autosomal Dominant; Hyperlipoproteinemia Type IIb. Identifiers: MedGen C1704417, MONDO:0007751, OMIM 144010.
Familial hypobetalipoproteinemia 1. Also called: Hypobetalipoproteinemia, normotriglyceridemic; Acanthocytosis with hypobetalipoproteinemia; APOB-Related Familial Hypobetalipoproteinemia. Identifiers: MedGen C4551990, MONDO:0014252, OMIM 615558.

Allele frequency attached by ClinVar (database versions not stated): gnomAD 0.00001; gnomAD exomes 0.00001; TOPMed 0.00001.
gnomAD v4.1: 10 of 1,613,288 alleles (0.00062%); highest among the groups gnomAD compares: Non-Finnish European, 0.00076%; no homozygotes.

Submissions (3):

GeneDx
Classification: Uncertain significance. Last evaluated: 2026-02-18. Review status: criteria provided, single submitter. Criteria: GeneDx Variant Classification Process June 2021. Collection method: clinical testing. Allele origin: germline.
Comment: Not observed at significant frequency in large population cohorts (gnomAD); In silico analysis supports that this missense variant has a deleterious effect on protein structure/function; Has not been previously published as pathogenic or benign to our knowledge

Labcorp Genetics (formerly Invitae), Labcorp
Classification: Uncertain significance for Familial hypobetalipoproteinemia 1; Hypercholesterolemia, autosomal dominant, type B. Last evaluated: 2024-09-01. Review status: criteria provided, single submitter. Criteria: Invitae Variant Classification Sherloc (09022015). Collection method: clinical testing. Allele origin: germline.
Comment: This sequence change replaces isoleucine, which is neutral and non-polar, with threonine, which is neutral and polar, at codon 2397 of the APOB protein (p.Ile2397Thr). This variant is present in population databases (rs766659611, gnomAD 0.002%). This variant has not been reported in the literature in individuals affected with APOB-related conditions. ClinVar contains an entry for this variant (Variation ID: 1757595). Invitae Evidence Modeling of protein sequence and biophysical properties (such as structural, functional, and spatial information, amino acid conservation, physicochemical variation, residue mobility, and thermodynamic stability) indicates that this missense variant is not expected to disrupt APOB protein function with a negative predictive value of 95%. In summary, the available evidence is currently insufficient to determine the role of this variant in disease. Therefore, it has been classified as a Variant of Uncertain Significance.

Ambry Genetics
Classification: Uncertain significance for Cardiovascular phenotype. Last evaluated: 2024-02-22. Review status: criteria provided, single submitter. Criteria: Ambry Variant Classification Scheme 2023. Collection method: clinical testing. Allele origin: germline.
Comment: The p.I2397T variant (also known as c.7190T>C), located in coding exon 26 of the APOB gene, results from a T to C substitution at nucleotide position 7190. The isoleucine at codon 2397 is replaced by threonine, an amino acid with similar properties. This amino acid position is conserved. In addition, this alteration is predicted to be tolerated by in silico analysis. Since supporting evidence is limited at this time, the clinical significance of this alteration remains unclear.

NM_000384.3(APOB):c.7190T>C (p.Ile2397Thr)

Gene: APOB (apolipoprotein B; minus strand). Cytogenetic location: 2p24.1.
Variant type: single nucleotide variant.
Coding change: c.7190T>C on transcript NM_000384.3 (MANE Select); coding-DNA position 7190, T replaced by C.
Protein change: p.Ile2397Thr; replaces isoleucine 2397 with threonine.
Molecular consequence: missense variant.
Genome position (GRCh38, 1-based): chr2:21,009,678, A>G on the plus strand (T>C on the coding strand, the complement: APOB is on the minus strand). VCF-style: chr2-21009678-A-G. GRCh37 (hg19) VCF-style: chr2-21232550-A-G.
Other names: short protein forms I2397T.
Identifiers: ClinVar variation 1757595 (VCV001757595.5), dbSNP rs766659611, ClinGen allele CA43503001.